The following is an entry in ClinVar:

ClinVar aggregate classification (germline): Uncertain significance (1 of 4 stars; one submission).

Conditions:
Neurofibromatosis, type 1 (NF1). Also called: VON RECKLINGHAUSEN DISEASE; NEUROFIBROMATOSIS, TYPE I, SOMATIC; Peripheral type neurofibromatosis; Neurofibromatosis, type I. Identifiers: Orphanet 636, MedGen C0027831, MONDO:0018975, OMIM 162200. Disease mechanism: loss of function.

Submission:

Labcorp Genetics (formerly Invitae), Labcorp
Classification: Uncertain significance for Neurofibromatosis, type 1. Last evaluated: 2022-10-27. Review status: criteria provided, single submitter. Criteria: Invitae Variant Classification Sherloc (09022015). Collection method: clinical testing. Allele origin: germline.
Comment: This variant is not present in population databases (gnomAD no frequency). This variant has not been reported in the literature in individuals affected with NF1-related conditions. Advanced modeling of protein sequence and biophysical properties (such as structural, functional, and spatial information, amino acid conservation, physicochemical variation, residue mobility, and thermodynamic stability) has been performed at Invitae for this missense variant, however the output from this modeling did not meet the statistical confidence thresholds required to predict the impact of this variant on NF1 protein function. In summary, the available evidence is currently insufficient to determine the role of this variant in disease. Therefore, it has been classified as a Variant of Uncertain Significance. This sequence change replaces aspartic acid, which is acidic and polar, with glycine, which is neutral and non-polar, at codon 2715 of the NF1 protein (p.Asp2715Gly).

NM_001042492.3(NF1):c.8207A>G (p.Asp2736Gly)

Gene: NF1 (neurofibromin 1; plus strand). Cytogenetic location: 17q11.2.
Variant type: single nucleotide variant.
Coding change: c.8207A>G on transcript NM_001042492.3 (MANE Select); coding-DNA position 8207, A replaced by G.
Protein change: p.Asp2736Gly; replaces aspartic acid 2736 with glycine.
Molecular consequence: missense variant.
Genome position (GRCh38, 1-based): chr17:31,360,533, A>G. VCF-style: chr17-31360533-A-G. GRCh37 (hg19) VCF-style: chr17-29687551-A-G.
Other names: c.8144A>G, p.Asp2715Gly (NM_000267.4); short protein forms D2736G, D2715G.
Identifiers: ClinVar variation 2901088 (VCV002901088.3), dbSNP rs2151587787, ClinGen allele CA399204522.
Genomic context (GRCh38, chr17:31,360,533, plus strand): 5'-ATTTTCCATTACAGCAAACACAAATTCCAGACTATGCTGAGCTTATTGTTAAGTTTCTTG[A>G]TGCCTTGATTGACACGTACCTGCCTGGAATTGATGAAGAAACCAGTGAAGAATCCCTCCT-3'
Protein context (NP_001035957.1, residues 2726-2746): DYAELIVKFL[Asp2736Gly]ALIDTYLPGI